The following is an entry in ClinVar:

ClinVar aggregate classification (germline): Uncertain significance (1 of 4 stars; one submission).

gnomAD v4.1: 3 of 1,614,116 alleles (0.00019%); highest among the groups gnomAD compares: Non-Finnish European, 0.00025%; no homozygotes.

Submission:

Labcorp Genetics (formerly Invitae), Labcorp
Classification: Uncertain significance. Last evaluated: 2023-09-05. Review status: criteria provided, single submitter. Criteria: Invitae Variant Classification Sherloc (09022015). Collection method: clinical testing. Allele origin: germline.
Comment: This sequence change replaces alanine, which is neutral and non-polar, with serine, which is neutral and polar, at codon 239 of the CTNNB1 protein (p.Ala239Ser). This variant is not present in population databases (gnomAD no frequency). This variant has not been reported in the literature in individuals affected with CTNNB1-related conditions. ClinVar contains an entry for this variant (Variation ID: 1429766). Advanced modeling of protein sequence and biophysical properties (such as structural, functional, and spatial information, amino acid conservation, physicochemical variation, residue mobility, and thermodynamic stability) has been performed at Invitae for this missense variant, however the output from this modeling did not meet the statistical confidence thresholds required to predict the impact of this variant on CTNNB1 protein function. In summary, the available evidence is currently insufficient to determine the role of this variant in disease. Therefore, it has been classified as a Variant of Uncertain Significance.

NM_001904.4(CTNNB1):c.715G>T (p.Ala239Ser)

Genes: CTNNB1 (catenin beta 1; plus strand), LOC126806658 (BRD4-independent group 4 enhancer GRCh37_chr3:41265899-41267098; plus strand). Cytogenetic location: 3p22.1.
Variant type: single nucleotide variant.
Coding change: c.715G>T on transcript NM_001904.4 (MANE Select); coding-DNA position 715, G replaced by T.
Protein change: p.Ala239Ser; replaces alanine 239 with serine.
Molecular consequence: missense variant.
Genome position (GRCh38, 1-based): chr3:41,225,553, G>T. VCF-style: chr3-41225553-G-T. GRCh37 (hg19) VCF-style: chr3-41267044-G-T.
Other names: c.715G>T, p.Ala239Ser (NM_001098209.2, NM_001098210.2); c.694G>T, p.Ala232Ser (NM_001330729.2); short protein forms A239S, A232S.
Identifiers: ClinVar variation 1429766 (VCV001429766.8), dbSNP rs2125623472, ClinGen allele CA352229915.